The following is an entry in ClinVar:

NM_000384.3(APOB):c.2157G>T (p.Leu719Phe)

Gene: APOB (apolipoprotein B; minus strand). Cytogenetic location: 2p24.1.
Variant type: single nucleotide variant.
Coding change: c.2157G>T on transcript NM_000384.3 (MANE Select); coding-DNA position 2157, G replaced by T.
Protein change: p.Leu719Phe; replaces leucine 719 with phenylalanine.
Molecular consequence: missense variant.
Genome position (GRCh38, 1-based): chr2:21,026,875, C>A on the plus strand (G>T on the coding strand, the complement: APOB is on the minus strand). VCF-style: chr2-21026875-C-A. GRCh37 (hg19) VCF-style: chr2-21249747-C-A.
Other names: short protein forms L719F.
Identifiers: ClinVar variation 1786830 (VCV001786830.3), dbSNP rs1034889717, ClinGen allele CA43522779.
Genomic context (GRCh38, chr2:21,026,875, plus strand): 5'-GCCAAAGTGGTCCACTAAGACCTTAGAGACACCATCAGGAACTTGACCATTAACCCAGTA[C>A]AAAGCTTTGTTGACACTGTCTGGGAAAAATCCTTGCTTCCCAAAAAGAGCTTCCAATGTT-3'
Protein context (NP_000375.3, residues 709-729): GFFPDSVNKA[Leu719Phe]YWVNGQVPDG

ClinVar aggregate classification (germline): Uncertain significance (1 of 4 stars; one submission).

Conditions:
Cardiovascular phenotype. Identifiers: MedGen CN230736.

Allele frequency attached by ClinVar (database versions not stated): gnomAD 0.00001; TOPMed 0.00001.

Submission:

Ambry Genetics
Classification: Uncertain significance for Cardiovascular phenotype. Last evaluated: 2025-06-10. Review status: criteria provided, single submitter. Criteria: Ambry Variant Classification Scheme 2023. Collection method: clinical testing. Allele origin: germline.
Comment: The p.L719F variant (also known as c.2157G>T), located in coding exon 15 of the APOB gene, results from a G to T substitution at nucleotide position 2157. The leucine at codon 719 is replaced by phenylalanine, an amino acid with highly similar properties. This amino acid position is well conserved in available vertebrate species. In addition, this alteration is predicted to be tolerated by in silico analysis. Based on the available evidence, the clinical significance of this variant remains unclear.